The following is an entry in ClinVar:

NM_001134363.3(RBM20):c.1607T>C (p.Ile536Thr)

Gene: RBM20 (RNA binding motif protein 20; plus strand). Cytogenetic location: 10q25.2.
Variant type: single nucleotide variant.
Coding change: c.1607T>C on transcript NM_001134363.3 (MANE Select); coding-DNA position 1607, T replaced by C.
Protein change: p.Ile536Thr; replaces isoleucine 536 with threonine.
Molecular consequence: missense variant.
Genome position (GRCh38, 1-based): chr10:110,797,587, T>C. VCF-style: chr10-110797587-T-C. GRCh37 (hg19) VCF-style: chr10-112557345-T-C.
Other names: p.I536T:ATT>ACT; c.1607T>C (LRG_382t1); short protein forms I536T.
Identifiers: ClinVar variation 202058 (VCV000202058.5), dbSNP rs794729145, ClinGen allele CA335539.

ClinVar aggregate classification (germline): Conflicting classifications of pathogenicity. Review status: criteria provided, conflicting classifications (1 of 4 stars). 3 submissions from 3 submitters: Likely pathogenic (1); Uncertain significance (2). Last evaluated 2025-01-13.

Conditions:
Cardiovascular phenotype. Identifiers: MedGen CN230736.
Dilated cardiomyopathy 1DD (CMD1DD). Identifiers: Orphanet 154, MedGen C2750995, MONDO:0013168, OMIM 613172.

Allele frequency attached by ClinVar (database versions not stated): gnomAD exomes 0.00003.
gnomAD v4.1: 17 of 1,551,768 alleles (0.0011%); highest among the groups gnomAD compares: East Asian, 0.042%; no homozygotes.

Submissions (3):

Labcorp Genetics (formerly Invitae), Labcorp
Classification: Uncertain significance for Dilated cardiomyopathy 1DD. Last evaluated: 2025-01-13. Review status: criteria provided, single submitter. Criteria: Invitae Variant Classification Sherloc (09022015). Collection method: clinical testing. Allele origin: germline.
Comment: This sequence change replaces isoleucine, which is neutral and non-polar, with threonine, which is neutral and polar, at codon 536 of the RBM20 protein (p.Ile536Thr). This variant is not present in population databases (gnomAD no frequency). This missense change has been observed in individual(s) with sudden unexplained death (PMID: 36198914). ClinVar contains an entry for this variant (Variation ID: 202058). Invitae Evidence Modeling of protein sequence and biophysical properties (such as structural, functional, and spatial information, amino acid conservation, physicochemical variation, residue mobility, and thermodynamic stability) indicates that this missense variant is not expected to disrupt RBM20 protein function with a negative predictive value of 95%. Experimental studies are conflicting or provide insufficient evidence to determine the effect of this variant on RBM20 function (PMID: 31419596, 36198914). In summary, the available evidence is currently insufficient to determine the role of this variant in disease. Therefore, it has been classified as a Variant of Uncertain Significance.

Ambry Genetics
Classification: Uncertain significance for Cardiovascular phenotype. Last evaluated: 2024-08-27. Review status: criteria provided, single submitter. Criteria: Ambry Variant Classification Scheme 2023. Collection method: clinical testing. Allele origin: germline.
Comment: The p.I536T variant (also known as c.1607T>C), located in coding exon 6 of the RBM20 gene, results from a T to C substitution at nucleotide position 1607. The isoleucine at codon 536 is replaced by threonine, an amino acid with similar properties. This variant was reported, along with variants in other cardiac-related genes, in a case of sudden cardiac death (Yamamoto T et al. Forensic Sci Int, 2019 Sep;302:109906). This amino acid position is highly conserved in available vertebrate species. In addition, the in silico prediction for this alteration is inconclusive. Based on the available evidence, the clinical significance of this variant remains unclear.

GeneDx
Classification: Likely pathogenic. Last evaluated: 2014-04-10. Review status: criteria provided, single submitter. Criteria: GeneDx Variant Classification (06012015). Collection method: clinical testing. Allele origin: germline. Affected: yes.
Comment: p.Ile536Thr (ATT>ACT): c.1607 T>C in exon 6 of the RBM20 gene (NM_001134363.1). The I536T variant has not been published as a mutation or been reported as a benign polymorphism to our knowledge. The I536T variant was not observed in approximately 2,300 individuals of European and African American ancestry in the NHLBI Exome Sequencing Project, indicating it is not a common benign variant in these populations. Additionally, the I536T variant is a non-conservative amino acid substitution, which is likely to impact secondary protein structure as these residues differ in polarity, charge, size and/or other properties. This substitution occurs at a position that is class-conserved across species. In silico analysis predicts this variant is probably damaging to the protein structure/function. A missense mutation in a nearby residue (V535I) has been reported in association with DCM, supporting the functional importance of this region of the protein. Therefore, this variant is a strong candidate for a pathogenic mutation, however the possibility that it is a benign variant cannot be excluded. The variant is found in DCM-CRDM panel(s).

Literature cited by the submitters: PubMed 36198914 (cited by Labcorp Genetics (formerly Invitae), Labcorp); PubMed 31419596 (cited by Labcorp Genetics (formerly Invitae), Labcorp and Ambry Genetics).